The following is an entry in ClinVar:

NM_001134407.3(GRIN2A):c.1457G>A (p.Gly486Asp)

Gene: GRIN2A (glutamate ionotropic receptor NMDA type subunit 2A; minus strand). Cytogenetic location: 16p13.2.
Variant type: single nucleotide variant.
Coding change: c.1457G>A on transcript NM_001134407.3 (MANE Select); coding-DNA position 1457, G replaced by A.
Protein change: p.Gly486Asp; replaces glycine 486 with aspartic acid.
Molecular consequence: missense variant.
Genome position (GRCh38, 1-based): chr16:9,840,976, C>T on the plus strand (G>A on the coding strand, the complement: GRIN2A is on the minus strand). VCF-style: chr16-9840976-C-T. GRCh37 (hg19) VCF-style: chr16-9934833-C-T.
Other names: c.1457G>A, p.Gly486Asp (NM_000833.5, NM_001134408.2); short protein forms G486D.
Identifiers: ClinVar variation 3647655 (VCV003647655.2).

ClinVar aggregate classification (germline): Uncertain significance (1 of 4 stars; one submission).

Conditions:
Landau-Kleffner syndrome (FESD). Also called: EPILEPSY, FOCAL, WITH SPEECH DISORDER AND WITH OR WITHOUT MENTAL RETARDATION; APHASIA, ACQUIRED, WITH EPILEPSY. Identifiers: Orphanet 1945, Orphanet 725, Orphanet 98818, MedGen C0282512, MONDO:0009509, OMIM 245570.

Submission:

Labcorp Genetics (formerly Invitae), Labcorp
Classification: Uncertain significance for Landau-Kleffner syndrome. Last evaluated: 2024-03-26. Review status: criteria provided, single submitter. Criteria: Invitae Variant Classification Sherloc (09022015). Collection method: clinical testing. Allele origin: germline.
Comment: This sequence change replaces glycine, which is neutral and non-polar, with aspartic acid, which is acidic and polar, at codon 486 of the GRIN2A protein (p.Gly486Asp). This variant is not present in population databases (gnomAD no frequency). This variant has not been reported in the literature in individuals affected with GRIN2A-related conditions. Advanced modeling of protein sequence and biophysical properties (such as structural, functional, and spatial information, amino acid conservation, physicochemical variation, residue mobility, and thermodynamic stability) performed at Invitae indicates that this missense variant is expected to disrupt GRIN2A protein function with a positive predictive value of 95%. In summary, the available evidence is currently insufficient to determine the role of this variant in disease. Therefore, it has been classified as a Variant of Uncertain Significance.